The following is an entry in ClinVar:

NM_000051.4(ATM):c.1641C>G (p.Thr547=)

Gene: ATM (ATM serine/threonine kinase; plus strand). Cytogenetic location: 11q22.3.
Variant type: single nucleotide variant.
Coding change: c.1641C>G on transcript NM_000051.4 (MANE Select); coding-DNA position 1641, C replaced by G.
Protein change: p.Thr547=; no amino-acid change (threonine 547 retained).
Molecular consequence: synonymous variant.
Genome position (GRCh38, 1-based): chr11:108,251,870, C>G. VCF-style: chr11-108251870-C-G. GRCh37 (hg19) VCF-style: chr11-108122597-C-G.
Other names: c.1641C>G, p.Thr547= (NM_001351834.2).
Identifiers: ClinVar variation 922841 (VCV000922841.5), dbSNP rs864622141, ClinGen allele CA476672046.

ClinVar aggregate classification (germline): Benign/Likely benign. Review status: criteria provided, multiple submitters, no conflicts (2 of 4 stars). 3 submissions from 3 submitters: Benign (1); Likely benign (2). Last evaluated 2024-04-30.

Conditions:
Familial cancer of breast. Also called: BREAST CANCER, FAMILIAL; hereditary breast carcinoma; Hereditary breast cancer. Identifiers: Orphanet 227535, MedGen C0346153, MONDO:0016419, OMIM 114480. Disease mechanism: loss of function.
Hereditary cancer-predisposing syndrome. Also called: Neoplastic Syndromes, Hereditary; Tumor predisposition; Hereditary Cancer Syndrome; Hereditary neoplastic syndrome. Identifiers: Orphanet 140162, MedGen C0027672, MeSH D009386, MONDO:0015356.

Allele frequency attached by ClinVar (database versions not stated): gnomAD 0.00001.
gnomAD v4.1: 1 of 1,613,660 alleles (0.000062%); no homozygotes.

Submissions (3):

Myriad Genetics, Inc.
Classification: Benign for Familial cancer of breast. Last evaluated: 2024-04-30. Review status: criteria provided, single submitter. Criteria: Myriad Autosomal Dominant, Autosomal Recessive and X-Linked Classification Criteria (2023). Collection method: clinical testing. Allele origin: unknown.
Comment: This variant is considered benign. This variant is a silent/synonymous amino acid change and it is not expected to impact splicing.

Ambry Genetics
Classification: Likely benign for Hereditary cancer-predisposing syndrome. Last evaluated: 2021-10-10. Review status: criteria provided, single submitter. Criteria: Ambry Variant Classification Scheme 2023. Collection method: clinical testing. Allele origin: germline.

Color Diagnostics, LLC DBA Color Health
Classification: Likely benign for Hereditary cancer-predisposing syndrome. Last evaluated: 2019-07-23. Review status: criteria provided, single submitter. Criteria: ACMG Guidelines, 2015. Collection method: clinical testing. Allele origin: germline.